The following is an entry in ClinVar:

ClinVar aggregate classification (germline): Uncertain significance (1 of 4 stars; one submission).

Conditions:
Early-onset Parkinson disease 20. Also called: PARKINSON DISEASE 20, AUTOSOMAL RECESSIVE EARLY-ONSET. Identifiers: Orphanet 391411, MedGen C3809824, MONDO:0014233, OMIM 615530.
Developmental and epileptic encephalopathy, 53. Also called: Epileptic encephalopathy, early infantile, 53. Identifiers: MedGen C4479313, MONDO:0033362, OMIM 617389.

Submission:

Labcorp Genetics (formerly Invitae), Labcorp
Classification: Uncertain significance for Developmental and epileptic encephalopathy, 53; Early-onset Parkinson disease 20. Last evaluated: 2019-10-23. Review status: criteria provided, single submitter. Criteria: Invitae Variant Classification Sherloc (09022015). Collection method: clinical testing. Allele origin: germline.
Comment: This sequence change replaces alanine with aspartic acid at codon 495 of the SYNJ1 protein (p.Ala495Asp). The alanine residue is moderately conserved and there is a moderate physicochemical difference between alanine and aspartic acid. This variant is not present in population databases (ExAC no frequency). This variant has not been reported in the literature in individuals with SYNJ1-related conditions. Algorithms developed to predict the effect of missense changes on protein structure and function are either unavailable or do not agree on the potential impact of this missense change (SIFT: "Deleterious"; PolyPhen-2: "Probably Damaging"; Align-GVGD: "Class C0"). In summary, the available evidence is currently insufficient to determine the role of this variant in disease. Therefore, it has been classified as a Variant of Uncertain Significance.

NM_203446.3(SYNJ1):c.1367C>A (p.Ala456Asp)

Gene: SYNJ1 (synaptojanin 1; minus strand). Cytogenetic location: 21q22.11.
Variant type: single nucleotide variant.
Coding change: c.1367C>A on transcript NM_203446.3 (MANE Select); coding-DNA position 1367, C replaced by A.
Protein change: p.Ala456Asp; replaces alanine 456 with aspartic acid.
Molecular consequence: missense variant.
Genome position (GRCh38, 1-based): chr21:32,678,788, G>T on the plus strand (C>A on the coding strand, the complement: SYNJ1 is on the minus strand). VCF-style: chr21-32678788-G-T. GRCh37 (hg19) VCF-style: chr21-34051098-G-T.
Other names: c.1367C>A, p.Ala456Asp (NM_001160302.2); c.1376C>A, p.Ala459Asp (NM_001160306.2); c.1484C>A, p.Ala495Asp (NM_003895.4); short protein forms A456D, A459D, A495D.
Identifiers: ClinVar variation 972193 (VCV000972193.10), dbSNP rs2041512501, ClinGen allele CA410089587.